The following is an entry in ClinVar:

ClinVar aggregate classification (germline): Uncertain significance (1 of 4 stars; one submission).

Conditions:
Epidermolysis bullosa simplex with nail dystrophy (EBS5D). Identifiers: MedGen C4225309, MONDO:0014661, OMIM 616487.
Epidermolysis bullosa simplex 5B, with muscular dystrophy (EBS5B). Also called: EPIDERMOLYSIS BULLOSA SIMPLEX AND LIMB-GIRDLE MUSCULAR DYSTROPHY; Epidermolysis bullosa simplex with muscular dystrophy. Identifiers: Orphanet 257, MedGen C2931072, MONDO:0009181, OMIM 226670.
Epidermolysis bullosa simplex, Ogna type (EBS5A). Also called: Pidermolysis bullosa simplex 5A, Ogna type; EPIDERMOLYSIS BULLOSA SIMPLEX 5A, OGNA TYPE. Identifiers: Orphanet 79401, MedGen C0432317, MONDO:0007555, OMIM 131950.
Epidermolysis bullosa simplex 5C, with pyloric atresia (EBS5C). Also called: Epidermolysis bullosa simplex with pyloric atresia; PLEC-Related Epidermolysis Bullosa with Pyloric Atresia; PLEC1-Related Epidermolysis Bullosa with Pyloric Atresia. Identifiers: Orphanet 158684, MedGen C2677349, MONDO:0012807, OMIM 612138.
Autosomal recessive limb-girdle muscular dystrophy type 2Q (LGMDR17). Also called: MUSCULAR DYSTROPHY, LIMB-GIRDLE, AUTOSOMAL RECESSIVE 17. Identifiers: Orphanet 254361, MedGen C3150989, MONDO:0013390, OMIM 613723.

Allele frequency attached by ClinVar (database versions not stated): gnomAD exomes 0.00001; ExAC 0.00002.
gnomAD v4.1: 10 of 1,611,900 alleles (0.00062%); highest among the groups gnomAD compares: South Asian, 0.011%; no homozygotes.

Submission:

Labcorp Genetics (formerly Invitae), Labcorp
Classification: Uncertain significance for Autosomal recessive limb-girdle muscular dystrophy type 2Q; Epidermolysis bullosa simplex, Ogna type; Epidermolysis bullosa simplex with nail dystrophy; Epidermolysis bullosa simplex 5C, with pyloric atresia; Epidermolysis bullosa simplex 5B, with muscular dystrophy. Last evaluated: 2022-08-01. Review status: criteria provided, single submitter. Criteria: Invitae Variant Classification Sherloc (09022015). Collection method: clinical testing. Allele origin: germline.
Comment: This sequence change replaces serine, which is neutral and polar, with arginine, which is basic and polar, at codon 925 of the PLEC protein (p.Ser925Arg). This variant is present in population databases (rs782395497, gnomAD 0.02%). This variant has not been reported in the literature in individuals affected with PLEC-related conditions. Algorithms developed to predict the effect of missense changes on protein structure and function are either unavailable or do not agree on the potential impact of this missense change (SIFT: "Tolerated"; PolyPhen-2: "Not Available"; Align-GVGD: "Class C0"). In summary, the available evidence is currently insufficient to determine the role of this variant in disease. Therefore, it has been classified as a Variant of Uncertain Significance.

NM_201384.3(PLEC):c.2692A>C (p.Ser898Arg)

Gene: PLEC (plectin; minus strand). Cytogenetic location: 8q24.3.
Variant type: single nucleotide variant.
Coding change: c.2692A>C on transcript NM_201384.3 (MANE Select); coding-DNA position 2692, A replaced by C.
Protein change: p.Ser898Arg; replaces serine 898 with arginine.
Molecular consequence: missense variant.
Genome position (GRCh38, 1-based): chr8:143,929,983, T>G on the plus strand (A>C on the coding strand, the complement: PLEC is on the minus strand). VCF-style: chr8-143929983-T-G. GRCh37 (hg19) VCF-style: chr8-145004151-T-G.
Other names: c.2773A>C, p.Ser925Arg (NM_000445.5, NM_001410941.1); c.2650A>C, p.Ser884Arg (NM_201378.4); c.2626A>C, p.Ser876Arg (NM_201379.3); c.3103A>C, p.Ser1035Arg (NM_201380.4); c.2596A>C, p.Ser866Arg (NM_201381.3); c.2692A>C, p.Ser898Arg (NM_201382.4); c.2704A>C, p.Ser902Arg (NM_201383.3); short protein forms S866R, S884R, S902R, S1035R, S898R, S925R, S876R.
Identifiers: ClinVar variation 2191356 (VCV002191356.4), dbSNP rs782395497, ClinGen allele CA4927417.